The following is an entry in ClinVar:

NM_003384.3(VRK1):c.360del (p.Asp120fs)

Gene: VRK1 (VRK serine/threonine kinase 1; plus strand). Cytogenetic location: 14q32.2.
Variant type: Deletion.
Coding change: c.360del on transcript NM_003384.3 (MANE Select); coding-DNA position 360, one base deleted (C; older notation c.360delC).
Protein change: p.Asp120fs; shifts the reading frame from aspartic acid 120.
Molecular consequence: frameshift variant.
Genome position (GRCh38, 1-based): chr14:96,847,330, C deleted. VCF-style (leftmost placement, unchanged base first): chr14-96847329-AC-A. GRCh37 (hg19) VCF-style: chr14-97313666-AC-A.
Other names: c.360del, p.Asp120fs (NM_001411051.1, NM_001411053.1); short protein forms D120fs.
Identifiers: ClinVar variation 5015248 (VCV005015248.1).

ClinVar aggregate classification (germline): Pathogenic (1 of 4 stars; one submission).

Conditions:
Pontocerebellar hypoplasia type 1A (PCH1A). Also called: PONTOCEREBELLAR HYPOPLASIA WITH ANTERIOR HORN CELL DISEASE; PONTOCEREBELLAR HYPOPLASIA WITH INFANTILE SPINAL MUSCULAR ATROPHY. Identifiers: Orphanet 2254, Orphanet 88616, MedGen C1843504, MONDO:0011866, OMIM 607596.

Submission:

Myriad Genetics, Inc.
Classification: Pathogenic for Pontocerebellar hypoplasia type 1A. Last evaluated: 2025-11-22. Review status: criteria provided, single submitter. Criteria: Myriad Autosomal Dominant, Autosomal Recessive and X-Linked Classification Criteria (2023). Collection method: clinical testing. Allele origin: unknown.
Comment: NM_003384.2(VRK1):c.360delC(D120Efs*10) is expected to be pathogenic in the context of pontocerebellar hypoplasia, VRK1-related. This variant is predicted to lead to an abnormal or absent protein product due to the creation of a premature termination codon in VRK1, a gene where loss-of-function variants are known to be pathogenic. Please note: this variant was assessed in the context of healthy population screening.